The following is an entry in ClinVar:

ClinVar aggregate classification (germline): Likely pathogenic. Review status: criteria provided, multiple submitters, no conflicts (2 of 4 stars). 2 submissions from 2 submitters: Likely pathogenic (2). Last evaluated 2024-03-25.

Conditions:
Anemia, nonspherocytic hemolytic, due to G6PD deficiency (CNSHA1). Also called: Hemolytic anemia due to G6PD deficiency; Class I glucose-6-phosphate dehydrogenase deficiency; Favism, susceptibility to; ANEMIA, CONGENITAL, NONSPHEROCYTIC HEMOLYTIC, 1. Identifiers: Orphanet 466026, MedGen C2720289, MONDO:0010480, OMIM 300908.

Submissions (2):

Genomic Medicine Center of Excellence, King Faisal Specialist Hospital and Research Centre
Classification: Likely pathogenic for Anemia, nonspherocytic hemolytic, due to G6PD deficiency. Last evaluated: 2024-03-25. Review status: criteria provided, single submitter. Criteria: ACMG Guidelines, 2015. Collection method: clinical testing. Allele origin: germline.

Dunham Lab, University of Washington
Classification: Likely pathogenic for Anemia, nonspherocytic hemolytic, due to G6PD deficiency. Last evaluated: 2022-08-12. Review status: criteria provided, single submitter. Criteria: Bayesian ACMG Guidelines, 2018. Collection method: curation. Allele origin: unknown. Affected: yes.
Comment: Decreased activity in red blood cells (50%) (PS3). Not found in gnomAD (PM2). Post_P 0.949 (odds of pathogenicity 168.4, Prior_P 0.1).

Literature cited by the submitters: PubMed 34620237 (cited by Dunham Lab, University of Washington).

NM_001360016.2(G6PD):c.1063A>G (p.Ile355Val)

Gene: G6PD (glucose-6-phosphate dehydrogenase; minus strand). Cytogenetic location: Xq28.
Variant type: single nucleotide variant.
Coding change: c.1063A>G on transcript NM_001360016.2 (MANE Select); coding-DNA position 1063, A replaced by G.
Protein change: p.Ile355Val; replaces isoleucine 355 with valine.
Molecular consequence: missense variant.
Genome position (GRCh38, 1-based): chrX:154,532,791, T>C on the plus strand (A>G on the coding strand, the complement: G6PD is on the minus strand). VCF-style: chrX-154532791-T-C. GRCh37 (hg19) VCF-style: chrX-153761006-T-C.
Other names: c.1153A>G, p.Ile385Val (NM_000402.4); c.1063A>G, p.Ile355Val (NM_001042351.3); short protein forms I355V, I385V.
Identifiers: ClinVar variation 1722608 (VCV001722608.3), dbSNP rs2523263137, ClinGen allele CA415234305.